The following is an entry in ClinVar:

ClinVar aggregate classification (germline): Uncertain significance. Review status: criteria provided, multiple submitters, no conflicts (2 of 4 stars). 2 submissions from 2 submitters: Uncertain significance (2). Last evaluated 2023-05-18.

Conditions:
Autosomal dominant epilepsy with auditory features. Identifiers: Orphanet 101046, MedGen C1838062, MONDO:0010898.
Inborn genetic diseases. Identifiers: MedGen C0950123, MeSH D030342.

Allele frequency attached by ClinVar (database versions not stated): gnomAD exomes below 0.00001; TOPMed below 0.00001.
gnomAD v4.1: 3 of 1,614,148 alleles (0.00019%); highest among the groups gnomAD compares: East Asian, 0.0022%; no homozygotes.

Submissions (2):

Labcorp Genetics (formerly Invitae), Labcorp
Classification: Uncertain significance for Autosomal dominant epilepsy with auditory features. Last evaluated: 2023-05-18. Review status: criteria provided, single submitter. Criteria: Invitae Variant Classification Sherloc (09022015). Collection method: clinical testing. Allele origin: germline.
Comment: In summary, the available evidence is currently insufficient to determine the role of this variant in disease. Therefore, it has been classified as a Variant of Uncertain Significance. An algorithm developed to predict the effect of missense changes on protein structure and function (PolyPhen-2) suggests that this variant is likely to be disruptive. This variant has not been reported in the literature in individuals affected with LGI1-related conditions. This variant is not present in population databases (gnomAD no frequency). This sequence change replaces proline, which is neutral and non-polar, with leucine, which is neutral and non-polar, at codon 391 of the LGI1 protein (p.Pro391Leu).

Ambry Genetics
Classification: Uncertain significance for Inborn genetic diseases. Last evaluated: 2023-05-04. Review status: criteria provided, single submitter. Criteria: Ambry Variant Classification Scheme 2023. Collection method: clinical testing. Allele origin: germline.

NM_005097.4(LGI1):c.1172C>T (p.Pro391Leu)

Gene: LGI1 (leucine rich glioma inactivated 1; plus strand). Cytogenetic location: 10q23.33.
Variant type: single nucleotide variant.
Coding change: c.1172C>T on transcript NM_005097.4 (MANE Select); coding-DNA position 1172, C replaced by T.
Protein change: p.Pro391Leu; replaces proline 391 with leucine.
Molecular consequence: missense variant. On other transcripts: non-coding transcript variant (1), intron variant (1).
Genome position (GRCh38, 1-based): chr10:93,797,301, C>T. VCF-style: chr10-93797301-C-T. GRCh37 (hg19) VCF-style: chr10-95557058-C-T.
Other names: c.1028C>T, p.Pro343Leu (NM_001308276.2); c.839-448C>T (NM_001308275.2); short protein forms P391L, P343L.
Identifiers: ClinVar variation 2543549 (VCV002543549.5), dbSNP rs2059989157, ClinGen allele CA377628088.
Genomic context (GRCh38, chr10:93,797,301, plus strand): 5'-AATCCTTACACGCGTGGTACAGGGACACTGATGTGGAATATCTAGAAATAGTCAGAACAC[C>T]TCAGACACTCAGAACGCCTCATTTAATTCTGTCTAGTAGTTCCCAGCGTCCTGTAATTTA-3'
Protein context (NP_005088.1, residues 381-401): DVEYLEIVRT[Pro391Leu]QTLRTPHLIL